The following is an entry in ClinVar:

NM_001044.5(SLC6A3):c.1504G>A (p.Gly502Arg)

Gene: SLC6A3 (solute carrier family 6 member 3). Cytogenetic location: 5p15.33.
Variant type: single nucleotide variant.
Coding change: c.1504G>A on transcript NM_001044.5 (MANE Select); coding-DNA position 1504, G replaced by A.
Protein change: p.Gly502Arg; replaces glycine 502 with arginine.
Molecular consequence: missense variant.
Genome position (GRCh38, 1-based): chr5:1,406,283, C>T on the plus strand (G>A on the coding strand, the complement: SLC6A3 is on the minus strand). VCF-style: chr5-1406283-C-T. GRCh37 (hg19) VCF-style: chr5-1406398-C-T.
Other names: short protein forms G502R.
Identifiers: ClinVar variation 2585508 (VCV002585508.1), dbSNP rs776046902, ClinGen allele CA3186003.

ClinVar aggregate classification (germline): Uncertain significance (1 of 4 stars; one submission).

Conditions:
Classic dopamine transporter deficiency syndrome (PKDYS1). Also called: DOPAMINE TRANSPORTER DEFICIENCY SYNDROME; Parkinsonism-dystonia, infantile, 1. Identifiers: Orphanet 238455, MedGen C5700336, MONDO:0054835, OMIM 613135.

Allele frequency attached by ClinVar (database versions not stated): gnomAD exomes below 0.00001; ExAC 0.00001.
gnomAD v4.1: 7 of 1,612,650 alleles (0.00043%); highest among the groups gnomAD compares: South Asian, 0.0066%; no homozygotes.

Submission:

Neuberg Centre For Genomic Medicine, NCGM
Classification: Uncertain significance for Classic dopamine transporter deficiency syndrome. Review status: criteria provided, single submitter. Criteria: ACMG Guidelines, 2015. Collection method: clinical testing. Allele origin: germline. Inheritance: Autosomal recessive inheritance. Affected: yes.
Comment: The missense variant c.1504G>A (p.Gly502Arg) in SLC6A3 gene has not been reported previously as a pathogenic variant nor as a benign variant, to our knowledge. The p.Gly502Arg variant is novel (not in any individuals) in 1000 Genomes and has allele frequency of 0.002% in gnomAD database. The amino acid Gly at position 502 is changed to a Arg changing protein sequence and it might alter its composition and physico-chemical properties. The amino acid change p.Gly502Arg in SLC6A3 is predicted as conserved by PhyloP across 100 vertebrates. For these reasons, this variant has been classified as Uncertain Significance.